The following is an entry in ClinVar:

ClinVar aggregate classification (germline): Pathogenic (1 of 4 stars; one submission).

Conditions:
Werner syndrome (WRN). Identifiers: Orphanet 902, MedGen C0043119, MONDO:0010196, OMIM 277700.

Submission:

Labcorp Genetics (formerly Invitae), Labcorp
Classification: Pathogenic for Werner syndrome. Last evaluated: 2023-04-27. Review status: criteria provided, single submitter. Criteria: Invitae Variant Classification Sherloc (09022015). Collection method: clinical testing. Allele origin: germline.
Comment: Algorithms developed to predict the effect of sequence changes on RNA splicing suggest that this variant may disrupt the consensus splice site. This sequence change creates a premature translational stop signal (p.Pro121Serfs*9) in the WRN gene. It is expected to result in an absent or disrupted protein product. Loss-of-function variants in WRN are known to be pathogenic (PMID: 16673358). This variant is not present in population databases (gnomAD no frequency). This variant has not been reported in the literature in individuals affected with WRN-related conditions. For these reasons, this variant has been classified as Pathogenic.

Literature cited by the submitters: PubMed 16673358.

NM_000553.6(WRN):c.360dup (p.Pro121fs)

Gene: WRN (WRN RecQ like helicase; plus strand). Cytogenetic location: 8p12.
Variant type: Duplication.
Coding change: c.360dup on transcript NM_000553.6 (MANE Select); coding-DNA position 360, one base duplicated (T; older notation c.360dupT).
Protein change: p.Pro121fs; shifts the reading frame from proline 121.
Molecular consequence: frameshift variant.
Genome position (GRCh38, 1-based): chr8:31,064,919, T duplicated; the last of 5 consecutive T bases (chr8:31,064,915-31,064,919); duplicating any one gives the same sequence. VCF-style (leftmost placement, unchanged base first): chr8-31064914-G-GT. GRCh37 (hg19) VCF-style: chr8-30922430-G-GT.
Other names: short protein forms P121fs.
Identifiers: ClinVar variation 2859720 (VCV002859720.3), dbSNP rs2535882559, ClinGen allele CA2739279563.